The following is an entry in ClinVar:

NM_001042492.3(NF1):c.6041del (p.Phe2014fs)

Gene: NF1 (neurofibromin 1; plus strand). Cytogenetic location: 17q11.2.
Variant type: Deletion.
Coding change: c.6041del on transcript NM_001042492.3 (MANE Select); coding-DNA position 6041, one base deleted (T; older notation c.6041delT).
Protein change: p.Phe2014fs; shifts the reading frame from phenylalanine 2014.
Molecular consequence: frameshift variant.
Genome position (GRCh38, 1-based): chr17:31,336,367, T deleted; the last of 3 consecutive T bases (chr17:31,336,365-31,336,367); deleting any one gives the same sequence. VCF-style (leftmost placement, unchanged base first): chr17-31336364-GT-G. GRCh37 (hg19) VCF-style: chr17-29663382-GT-G.
Other names: c.5978delT, p.Phe1993Serfs (NM_000267.4); short protein forms F2014fs, F1993fs.
Identifiers: ClinVar variation 1439451 (VCV001439451.7), dbSNP rs2151553250, ClinGen allele CA2573153813.
Genomic context (GRCh38, chr17:31,336,364, plus strand): 5'-AAAACATGTTATTTTCCTTCTTCAACTAGATTACAGATCTGCTTGATGTTGTACTAGACA[GT>G]TTCATCAAAACCAGTGCAACAGGTGGCTTGGGATCAATAAAAGCTGAGGTGATGGCAGAT-3'

ClinVar aggregate classification (germline): Pathogenic. Review status: criteria provided, multiple submitters, no conflicts (2 of 4 stars). 2 submissions from 2 submitters: Pathogenic (2). Last evaluated 2021-08-22.

Conditions:
Neurofibromatosis, type 1 (NF1). Also called: Peripheral type neurofibromatosis; VON RECKLINGHAUSEN DISEASE; NEUROFIBROMATOSIS, TYPE I, SOMATIC; Neurofibromatosis, type I. Identifiers: Orphanet 636, MedGen C0027831, MONDO:0018975, OMIM 162200. Disease mechanism: loss of function.

Submissions (2):

Labcorp Genetics (formerly Invitae), Labcorp
Classification: Pathogenic for Neurofibromatosis, type 1. Last evaluated: 2021-08-22. Review status: criteria provided, single submitter. Criteria: Invitae Variant Classification Sherloc (09022015). Collection method: clinical testing. Allele origin: germline.
Comment: This sequence change creates a premature translational stop signal (p.Phe1993Serfs*13) in the NF1 gene. It is expected to result in an absent or disrupted protein product. Loss-of-function variants in NF1 are known to be pathogenic (PMID: 10712197, 23913538). This variant is not present in population databases (ExAC no frequency). This variant has not been reported in the literature in individuals affected with NF1-related conditions. For these reasons, this variant has been classified as Pathogenic.

Quest Diagnostics Nichols Institute San Juan Capistrano
Classification: Pathogenic. Last evaluated: 2021-08-22. Review status: criteria provided, single submitter. Criteria: Quest Diagnostics criteria. Collection method: clinical testing. Allele origin: unknown.
Comment: This frameshift variant alters the translational reading frame of the NF1 mRNA and causes the premature termination of NF1 protein synthesis. To the best of our knowledge, the variant has not been reported in the published literature. Based on the available information, this variant is classified as pathogenic.

Literature cited by the submitters: PubMed 10712197 (cited by Labcorp Genetics (formerly Invitae), Labcorp); PubMed 23913538 (cited by Labcorp Genetics (formerly Invitae), Labcorp).